The following is an entry in ClinVar:

NM_006306.4(SMC1A):c.3145C>T (p.Arg1049Ter)

Gene: SMC1A (structural maintenance of chromosomes 1A; minus strand). Cytogenetic location: Xp11.22.
Variant type: single nucleotide variant.
Coding change: c.3145C>T on transcript NM_006306.4 (MANE Select); coding-DNA position 3145, C replaced by T.
Protein change: p.Arg1049Ter; replaces arginine 1049 with a stop codon.
Molecular consequence: nonsense.
Genome position (GRCh38, 1-based): chrX:53,382,646, G>A on the plus strand (C>T on the coding strand, the complement: SMC1A is on the minus strand). VCF-style: chrX-53382646-G-A. GRCh37 (hg19) VCF-style: chrX-53409567-G-A.
Other names: c.3079C>T, p.Arg1027Ter (NM_001281463.1); short protein forms R1027*, R1049*.
Identifiers: ClinVar variation 1068642 (VCV001068642.10), dbSNP rs2146582701, ClinGen allele CA413244855.

ClinVar aggregate classification (germline): Pathogenic. Review status: criteria provided, multiple submitters, no conflicts (2 of 4 stars). 2 submissions from 2 submitters: Pathogenic (2). Last evaluated 2021-10-02.

Conditions:
Developmental and epileptic encephalopathy, 85, with or without midline brain defects. Also called: EPILEPTIC ENCEPHALOPATHY, EARLY INFANTILE, 85, WITH OR WITHOUT MIDLINE BRAIN DEFECTS. Identifiers: MedGen C5393312, MONDO:0026771, OMIM 301044.
Congenital muscular hypertrophy-cerebral syndrome (CDLS2). Also called: Cornelia de Lange syndrome 2; SMC1A-Related Cornelia de Lange Syndrome. Identifiers: Orphanet 199, MedGen C1802395, MONDO:0010370, OMIM 300590.

Submissions (2):

3billion
Classification: Pathogenic for Developmental and epileptic encephalopathy, 85, with or without midline brain defects. Last evaluated: 2021-10-02. Review status: criteria provided, single submitter. Criteria: ACMG Guidelines, 2015. Collection method: clinical testing. Allele origin: germline. Affected: yes. Observed: 1 heterozygote.
Comment: Stop-gained (nonsense): predicted to result in a loss or disruption of normal protein function through nonsense-mediated decay (NMD) or protein truncation. Multiple pathogenic variants are reported downstream of the variant (PVS1_VS). The variant was observed as assumed (i.e. paternity and maternity not confirmed) de novoo (3billion dataset, PM6). It is not observed in the gnomAD v2.1.1 dataset (PM2). Therefore, this variant is classified as pathogenic according to the recommendation of ACMG/AMP guideline.

Labcorp Genetics (formerly Invitae), Labcorp
Classification: Pathogenic for Congenital muscular hypertrophy-cerebral syndrome. Last evaluated: 2020-08-16. Review status: criteria provided, single submitter. Criteria: Invitae Variant Classification Sherloc (09022015). Collection method: clinical testing. Allele origin: germline.
Comment: This variant has been observed in individual(s) with early infantile epileptic encephalopathy (PMID: 28166369). In at least one individual the variant was observed to be de novo. For these reasons, this variant has been classified as Pathogenic. Loss-of-function variants in SMC1A are known to be pathogenic (PMID: 26386245, 27334371, 28166369, 28548707, 31334757). This variant is not present in population databases (ExAC no frequency). This sequence change creates a premature translational stop signal (p.Arg1049*) in the SMC1A gene. It is expected to result in an absent or disrupted protein product.

Literature cited by the submitters: PubMed 28166369 (cited by Labcorp Genetics (formerly Invitae), Labcorp); PubMed 26386245 (cited by Labcorp Genetics (formerly Invitae), Labcorp); PubMed 27334371 (cited by Labcorp Genetics (formerly Invitae), Labcorp); PubMed 28548707 (cited by Labcorp Genetics (formerly Invitae), Labcorp); PubMed 31334757 (cited by Labcorp Genetics (formerly Invitae), Labcorp).